The following is an entry in ClinVar:

NC_000012.11:g.(?_132414268)_(132428131_?)dup

Gene: PUS1 (pseudouridine synthase 1; plus strand). Cytogenetic location: 12q24.33.
Variant type: Duplication.
Identifiers: ClinVar variation 1450202 (VCV001450202.4).

ClinVar aggregate classification (germline): Uncertain significance (1 of 4 stars; one submission).

Submission:

Labcorp Genetics (formerly Invitae), Labcorp
Classification: Uncertain significance. Last evaluated: 2022-08-16. Review status: criteria provided, single submitter. Criteria: Invitae Variant Classification Sherloc (09022015). Collection method: clinical testing. Allele origin: germline.
Comment: A copy number gain of the genomic region encompassing the full coding sequence of the PUS1 gene has been identified. The boundaries of this event are unknown as they extend beyond the assayed region for this gene and therefore may encompass additional genes. As the precise location of this event is unknown, it may be in tandem or it may be located elsewhere in the genome. This variant has not been reported in the literature in individuals affected with PUS1-related conditions. In summary, the available evidence is currently insufficient to determine the role of this variant in disease. Therefore, it has been classified as a Variant of Uncertain Significance.